The following is an entry in ClinVar:

NM_001110556.2(FLNA):c.6517G>A (p.Asp2173Asn)

Gene: FLNA (filamin A; minus strand). Cytogenetic location: Xq28.
Variant type: single nucleotide variant.
Coding change: c.6517G>A on transcript NM_001110556.2 (MANE Select); coding-DNA position 6517, G replaced by A.
Protein change: p.Asp2173Asn; replaces aspartic acid 2173 with asparagine.
Molecular consequence: missense variant.
Genome position (GRCh38, 1-based): chrX:154,352,433, C>T on the plus strand (G>A on the coding strand, the complement: FLNA is on the minus strand). VCF-style: chrX-154352433-C-T. GRCh37 (hg19) VCF-style: chrX-153580801-C-T.
Other names: c.6493G>A, p.Asp2165Asn (NM_001456.4); short protein forms D2165N, D2173N.
Identifiers: ClinVar variation 1325966 (VCV001325966.2), dbSNP rs2148104151, ClinGen allele CA415191505.

ClinVar aggregate classification (germline): Uncertain significance (1 of 4 stars; one submission).

gnomAD v4.1: 1 of 1,211,839 alleles (0.000083%); highest among the groups gnomAD compares: East Asian, 0.003%; no homozygotes.

Submission:

GeneDx
Classification: Uncertain significance. Last evaluated: 2021-11-08. Review status: criteria provided, single submitter. Criteria: GeneDx Variant Classification Process June 2021. Collection method: clinical testing. Allele origin: germline. Affected: yes.
Comment: Not observed in large population cohorts (Lek et al., 2016); In silico analysis supports that this missense variant has a deleterious effect on protein structure/function; Has not been previously published as pathogenic or benign to our knowledge